The following is an entry in ClinVar:

ClinVar aggregate classification (germline): Uncertain significance. Review status: criteria provided, multiple submitters, no conflicts (2 of 4 stars). 2 submissions from 2 submitters: Uncertain significance (2). Last evaluated 2025-11-02.

Conditions:
Inborn genetic diseases. Identifiers: MedGen C0950123, MeSH D030342.

Allele frequency attached by ClinVar (database versions not stated): gnomAD exomes below 0.00001 and 0.00002; ExAC 0.00001; TOPMed 0.00001.
gnomAD v4.1: 7 of 1,614,204 alleles (0.00043%); highest among the groups gnomAD compares: Admixed American, 0.01%; no homozygotes.

Submissions (2):

Ambry Genetics
Classification: Uncertain significance for Inborn genetic diseases. Last evaluated: 2025-11-02. Review status: criteria provided, single submitter. Criteria: Ambry Variant Classification Scheme 2023. Collection method: clinical testing. Allele origin: germline.

Labcorp Genetics (formerly Invitae), Labcorp
Classification: Uncertain significance. Last evaluated: 2021-05-03. Review status: criteria provided, single submitter. Criteria: Invitae Variant Classification Sherloc (09022015). Collection method: clinical testing. Allele origin: germline.
Comment: In summary, the available evidence is currently insufficient to determine the role of this variant in disease. Therefore, it has been classified as a Variant of Uncertain Significance. Algorithms developed to predict the effect of missense changes on protein structure and function are either unavailable or do not agree on the potential impact of this missense change (SIFT: "Tolerated"; PolyPhen-2: "Possibly Damaging"; Align-GVGD: "Class C0"). This variant has not been reported in the literature in individuals with JAM3-related conditions. This variant is present in population databases (rs780997837, ExAC 0.009%). This sequence change replaces lysine with threonine at codon 97 of the JAM3 protein (p.Lys97Thr). The lysine residue is highly conserved and there is a moderate physicochemical difference between lysine and threonine.

NM_032801.5(JAM3):c.290A>C (p.Lys97Thr)

Gene: JAM3 (junctional adhesion molecule 3; plus strand). Cytogenetic location: 11q25.
Variant type: single nucleotide variant.
Coding change: c.290A>C on transcript NM_032801.5 (MANE Select); coding-DNA position 290, A replaced by C.
Protein change: p.Lys97Thr; replaces lysine 97 with threonine.
Molecular consequence: missense variant. On other transcripts: intron variant (1).
Genome position (GRCh38, 1-based): chr11:134,144,274, A>C. VCF-style: chr11-134144274-A-C. GRCh37 (hg19) VCF-style: chr11-134014169-A-C.
Other names: c.290A>C (NM_032801.4); c.257-518A>C (NM_001205329.2); short protein forms K97T.
Identifiers: ClinVar variation 1521567 (VCV001521567.9), dbSNP rs780997837, ClinGen allele CA6369996.